The following is an entry in ClinVar:

NM_000180.4(GUCY2D):c.326G>A (p.Gly109Asp)

Gene: GUCY2D (guanylate cyclase 2D, retinal; plus strand). Cytogenetic location: 17p13.1.
Variant type: single nucleotide variant.
Coding change: c.326G>A on transcript NM_000180.4 (MANE Select); coding-DNA position 326, G replaced by A.
Protein change: p.Gly109Asp; replaces glycine 109 with aspartic acid.
Molecular consequence: missense variant.
Genome position (GRCh38, 1-based): chr17:8,003,373, G>A. VCF-style: chr17-8003373-G-A. GRCh37 (hg19) VCF-style: chr17-7906691-G-A.
Other names: c.326G>A (NM_000180.3); short protein forms G109D.
Identifiers: ClinVar variation 3750696 (VCV003750696.3).

ClinVar aggregate classification (germline): Uncertain significance. Review status: criteria provided, multiple submitters, no conflicts (2 of 4 stars). 2 submissions from 2 submitters: Uncertain significance (2). Last evaluated 2026-05-26.

Conditions:
Leber congenital amaurosis 1 (LCA1). Also called: AMAUROSIS CONGENITA OF LEBER I; RETINAL BLINDNESS, CONGENITAL; Congenital absence of the rods and cones; Leber's congenital tapetoretinal degeneration; Leber's congenital tapetoretinal dysplasia. Identifiers: Orphanet 65, MedGen C2931258, MONDO:0008764, OMIM 204000.
Cone-rod dystrophy 6 (CORD6). Also called: Cone dystrophy progressive; RETINAL CONE DYSTROPHY 2. Identifiers: Orphanet 1872, MedGen C1866293, MONDO:0011143, OMIM 601777.
Inborn genetic diseases. Identifiers: MedGen C0950123, MeSH D030342.

gnomAD v4.1: 1 of 1,465,552 alleles (0.000068%); highest among the groups gnomAD compares: Non-Finnish European, 0.00009%; no homozygotes.

Submissions (2):

Ambry Genetics
Classification: Uncertain significance for Inborn genetic diseases. Last evaluated: 2026-05-26. Review status: criteria provided, single submitter. Criteria: Ambry Variant Classification Scheme 2023. Collection method: clinical testing. Allele origin: germline.

Labcorp Genetics (formerly Invitae), Labcorp
Classification: Uncertain significance for Leber congenital amaurosis 1; Cone-rod dystrophy 6. Last evaluated: 2024-07-30. Review status: criteria provided, single submitter. Criteria: Invitae Variant Classification Sherloc (09022015). Collection method: clinical testing. Allele origin: germline.
Comment: This sequence change replaces glycine, which is neutral and non-polar, with aspartic acid, which is acidic and polar, at codon 109 of the GUCY2D protein (p.Gly109Asp). This variant is not present in population databases (gnomAD no frequency). This variant has not been reported in the literature in individuals affected with GUCY2D-related conditions. Advanced modeling of protein sequence and biophysical properties (such as structural, functional, and spatial information, amino acid conservation, physicochemical variation, residue mobility, and thermodynamic stability) performed at Invitae indicates that this missense variant is not expected to disrupt GUCY2D protein function with a negative predictive value of 80%. In summary, the available evidence is currently insufficient to determine the role of this variant in disease. Therefore, it has been classified as a Variant of Uncertain Significance.